The following is an entry in ClinVar:

NM_005535.3(IL12RB1):c.1360G>A (p.Val454Met)

Gene: IL12RB1 (interleukin 12 receptor subunit beta 1; minus strand). Cytogenetic location: 19p13.11.
Variant type: single nucleotide variant.
Coding change: c.1360G>A on transcript NM_005535.3 (MANE Select); coding-DNA position 1360, G replaced by A.
Protein change: p.Val454Met; replaces valine 454 with methionine.
Molecular consequence: missense variant.
Genome position (GRCh38, 1-based): chr19:18,066,665, C>T on the plus strand (G>A on the coding strand, the complement: IL12RB1 is on the minus strand). VCF-style: chr19-18066665-C-T. GRCh37 (hg19) VCF-style: chr19-18177475-C-T.
Other names: c.1360G>A, p.Val454Met (NM_001290023.2); c.1480G>A, p.Val494Met (NM_001290024.2); short protein forms V454M, V494M.
Identifiers: ClinVar variation 1177486 (VCV001177486.10), dbSNP rs1043461219, ClinGen allele CA306161747.

ClinVar aggregate classification (germline): Uncertain significance (1 of 4 stars; one submission).

Conditions:
Mendelian susceptibility to mycobacterial diseases due to complete IL12RB1 deficiency. Also called: IL12RB1 DEFICIENCY; Immunodeficiency 30. Identifiers: Orphanet 319552, MedGen C4013949, MONDO:0013955, OMIM 614891.

Submission:

Labcorp Genetics (formerly Invitae), Labcorp
Classification: Uncertain significance for Mendelian susceptibility to mycobacterial diseases due to complete IL12RB1 deficiency. Last evaluated: 2022-07-05. Review status: criteria provided, single submitter. Criteria: Invitae Variant Classification Sherloc (09022015). Collection method: clinical testing. Allele origin: germline.
Comment: ClinVar contains an entry for this variant (Variation ID: 1177486). This variant has not been reported in the literature in individuals affected with IL12RB1-related conditions. This variant is not present in population databases (gnomAD no frequency). This sequence change replaces valine, which is neutral and non-polar, with methionine, which is neutral and non-polar, at codon 454 of the IL12RB1 protein (p.Val454Met). Algorithms developed to predict the effect of missense changes on protein structure and function are either unavailable or do not agree on the potential impact of this missense change (SIFT: "Deleterious"; PolyPhen-2: "Probably Damaging"; Align-GVGD: "Class C0"). In summary, the available evidence is currently insufficient to determine the role of this variant in disease. Therefore, it has been classified as a Variant of Uncertain Significance.